The following is an entry in ClinVar:

ClinVar aggregate classification (germline): Uncertain significance (1 of 4 stars; one submission).

gnomAD v4.1: 6 of 1,551,352 alleles (0.00039%); highest among the groups gnomAD compares: Non-Finnish European, 0.00052%; no homozygotes.

Submission:

CeGaT Center for Human Genetics Tuebingen
Classification: Uncertain significance. Last evaluated: 2026-08-01. Review status: criteria provided, single submitter. Criteria: CeGaT Center For Human Genetics Tuebingen Variant Classification Criteria Version 2. Collection method: clinical testing. Allele origin: germline. Affected: yes. Observed: 1 variant allele.
Comment: VSX2: PM2

NM_182894.3(VSX2):c.57G>T (p.Lys19Asn)

Gene: VSX2 (visual system homeobox 2; plus strand). Cytogenetic location: 14q24.3.
Variant type: single nucleotide variant.
Coding change: c.57G>T on transcript NM_182894.3 (MANE Select); coding-DNA position 57, G replaced by T.
Protein change: p.Lys19Asn; replaces lysine 19 with asparagine.
Molecular consequence: missense variant.
Genome position (GRCh38, 1-based): chr14:74,239,618, G>T. VCF-style: chr14-74239618-G-T. GRCh37 (hg19) VCF-style: chr14-74706321-G-T.
Other names: short protein forms K19N.
Identifiers: ClinVar variation 5039821 (VCV005039821.1).